The following is an entry in ClinVar:

NM_170707.4(LMNA):c.1811G>A (p.Gly604Glu)

Gene: LMNA (lamin A/C; plus strand). Cytogenetic location: 1q22.
Variant type: single nucleotide variant.
Coding change: c.1811G>A on transcript NM_170707.4 (MANE Select); coding-DNA position 1811, G replaced by A.
Protein change: p.Gly604Glu; replaces glycine 604 with glutamic acid.
Molecular consequence: missense variant.
Genome position (GRCh38, 1-based): chr1:156,138,600, G>A. VCF-style: chr1-156138600-G-A. GRCh37 (hg19) VCF-style: chr1-156108391-G-A.
Other names: c.1475G>A, p.Gly492Glu (NM_001257374.3); c.1811G>A, p.Gly604Glu (NM_001282626.2); c.1721G>A, p.Gly574Glu (NM_170708.4); short protein forms G492E, G604E, G574E.
Identifiers: ClinVar variation 835293 (VCV000835293.10), dbSNP rs1651865626, ClinGen allele CA342827007.

ClinVar aggregate classification (germline): Uncertain significance (1 of 4 stars; one submission).

Conditions:
Charcot-Marie-Tooth disease type 2. Also called: Charcot-Marie-Tooth type 2. Identifiers: Orphanet 64746, MedGen C0270914, MONDO:0018993.

Allele frequency attached by ClinVar (database versions not stated): gnomAD exomes below 0.00001.
gnomAD v4.1: 1 of 1,612,982 alleles (0.000062%); highest among the groups gnomAD compares: Non-Finnish European, 0.000085%; no homozygotes.

Submission:

Labcorp Genetics (formerly Invitae), Labcorp
Classification: Uncertain significance for Charcot-Marie-Tooth disease type 2. Last evaluated: 2024-10-01. Review status: criteria provided, single submitter. Criteria: Invitae Variant Classification Sherloc (09022015). Collection method: clinical testing. Allele origin: germline.
Comment: This sequence change replaces glycine, which is neutral and non-polar, with glutamic acid, which is acidic and polar, at codon 604 of the LMNA protein (p.Gly604Glu). This variant is not present in population databases (gnomAD no frequency). This variant has not been reported in the literature in individuals affected with LMNA-related conditions. ClinVar contains an entry for this variant (Variation ID: 835293). Invitae Evidence Modeling of protein sequence and biophysical properties (such as structural, functional, and spatial information, amino acid conservation, physicochemical variation, residue mobility, and thermodynamic stability) indicates that this missense variant is expected to disrupt LMNA protein function with a positive predictive value of 95%. In summary, the available evidence is currently insufficient to determine the role of this variant in disease. Therefore, it has been classified as a Variant of Uncertain Significance.